The following is an entry in ClinVar:

ClinVar aggregate classification (germline): Pathogenic (1 of 4 stars; one submission).

Conditions:
Duchenne muscular dystrophy (DMD). Also called: MUSCULAR DYSTROPHY, PSEUDOHYPERTROPHIC PROGRESSIVE, DUCHENNE TYPE; Duchenne Muscular Dystrophy (DMD). Identifiers: Orphanet 98896, MedGen C0013264, MONDO:0010679, OMIM 310200.

Submission:

Labcorp Genetics (formerly Invitae), Labcorp
Classification: Pathogenic for Duchenne muscular dystrophy. Last evaluated: 2018-08-27. Review status: criteria provided, single submitter. Criteria: Invitae Variant Classification Sherloc (09022015). Collection method: clinical testing. Allele origin: germline.
Comment: This sequence change creates a premature translational stop signal (p.Trp2485*) in the DMD gene. It is expected to result in an absent or disrupted protein product. This variant is not present in population databases (ExAC no frequency). This variant has not been reported in the literature in individuals with DMD-related disease. Loss-of-function variants in DMD are known to be pathogenic (PMID: 16770791, 25007885). For these reasons, this variant has been classified as Pathogenic.

NM_004006.3(DMD):c.7454G>A (p.Trp2485Ter)

Gene: DMD (dystrophin; minus strand). Cytogenetic location: Xp21.1.
Variant type: single nucleotide variant.
Coding change: c.7454G>A on transcript NM_004006.3 (MANE Select); coding-DNA position 7454, G replaced by A.
Protein change: p.Trp2485Ter; replaces tryptophan 2485 with a stop codon.
Molecular consequence: nonsense.
Genome position (GRCh38, 1-based): chrX:31,774,048, C>T on the plus strand (G>A on the coding strand, the complement: DMD is on the minus strand). VCF-style: chrX-31774048-C-T. GRCh37 (hg19) VCF-style: chrX-31792165-C-T.
Other names: c.7430G>A, p.Trp2477Ter (NM_000109.4); c.7442G>A, p.Trp2481Ter (NM_004009.3); c.7085G>A, p.Trp2362Ter (NM_004010.3); c.3431G>A, p.Trp1144Ter (NM_004011.4); c.3422G>A, p.Trp1141Ter (NM_004012.4); c.74G>A, p.Trp25Ter (NM_004013.3, NM_004020.4, NM_004021.3 and 2 more transcripts); short protein forms W2481*, W2485*, W25*, W2362*, W2477*, W1141*, W1144*.
Identifiers: ClinVar variation 640083 (VCV000640083.1), dbSNP rs142500746, ClinGen allele CA412658897.
Genomic context (GRCh38, chrX:31,774,048, plus strand): 5'-TCCTCAAGGTCACCCACCATCACCCTCTGTGATTTTATAACTTGATCAAGCAGAGAAAGC[C>T]AGTCGGTAAGTTCTGTCCAAGCCCGGTTGAAATCTGCCAGAGCAGGTACCTCCAACATCA-3'